The following is an entry in ClinVar:

ClinVar aggregate classification (germline): Uncertain significance (1 of 4 stars; one submission).

gnomAD v4.1: 1 of 1,614,092 alleles (0.000062%); no homozygotes.

Submission:

Labcorp Genetics (formerly Invitae), Labcorp
Classification: Uncertain significance. Last evaluated: 2025-02-11. Review status: criteria provided, single submitter. Criteria: Invitae Variant Classification Sherloc (09022015). Collection method: clinical testing. Allele origin: germline.
Comment: This sequence change replaces arginine, which is basic and polar, with serine, which is neutral and polar, at codon 1369 of the DLC1 protein (p.Arg1369Ser). This variant is present in population databases (no rsID available, gnomAD 0.004%). This variant has not been reported in the literature in individuals affected with DLC1-related conditions. An algorithm developed to predict the effect of missense changes on protein structure and function (PolyPhen-2) suggests that this variant is likely to be tolerated. In summary, the available evidence is currently insufficient to determine the role of this variant in disease. Therefore, it has been classified as a Variant of Uncertain Significance.

NM_182643.3(DLC1):c.4107G>T (p.Arg1369Ser)

Gene: DLC1 (DLC1 Rho GTPase activating protein; minus strand). Cytogenetic location: 8p22.
Variant type: single nucleotide variant.
Coding change: c.4107G>T on transcript NM_182643.3 (MANE Select); coding-DNA position 4107, G replaced by T.
Protein change: p.Arg1369Ser; replaces arginine 1369 with serine.
Molecular consequence: missense variant. On other transcripts: intron variant (1).
Genome position (GRCh38, 1-based): chr8:13,088,672, C>A on the plus strand (G>T on the coding strand, the complement: DLC1 is on the minus strand). VCF-style: chr8-13088672-C-A. GRCh37 (hg19) VCF-style: chr8-12946181-C-A.
Other names: c.2574G>T, p.Arg858Ser (NM_001164271.2, NM_001348082.2, NM_001348083.1 and 6 more transcripts); c.2898G>T, p.Arg966Ser (NM_001316668.2); c.4107G>T, p.Arg1369Ser (NM_001348081.2, NM_001413124.1); c.2679G>T, p.Arg893Ser (NM_001413129.1); c.2889G>T, p.Arg963Ser (NM_001413130.1); c.2547G>T, p.Arg849Ser (NM_001413131.1, NM_001413137.1); c.3033G>T, p.Arg1011Ser (NM_001413132.1); c.2796G>T, p.Arg932Ser (NM_001413135.1, NM_006094.5); and 3 more; short protein forms R1011S, R966S, R893S, R849S, R859S, R963S, R1369S, R858S.
Identifiers: ClinVar variation 4712800 (VCV004712800.1).
Genomic context (GRCh38, chr8:13,088,672, plus strand): 5'-CTGTTCTTTAAGTAGGCGCTTTAAGATTTCCTCTGGCACAGCAGGGACTTCAATGACTGA[C>A]CTCCAAAGCCTCAGAGGGGGTCCTTCGCTCACCTGGAAAGAGGATGTATTTTTCAGTGCC-3'
Protein context (NP_872584.2, residues 1359-1379): VSEGPPLRLW[Arg1369Ser]SVIEVPAVPE